The following is an entry in ClinVar:

ClinVar aggregate classification (germline): Benign/Likely benign. Review status: criteria provided, multiple submitters, no conflicts (2 of 4 stars). 6 submissions from 6 submitters: Benign (2); Likely benign (2). 2 of the submissions do not count toward it. Last evaluated 2026-02-01.

Allele frequency attached by ClinVar (database versions not stated): gnomAD exomes 0.00233 and 0.00133; gnomAD 0.00537 and 0.00569; 1000 Genomes Project 0.00559; ESP Exome Variant Server 0.00569; 1000 Genomes Project 30x 0.00656; TOPMed 0.00657; ExAC 0.00227.
gnomAD v4.1: 2,822 of 1,614,144 alleles (0.17%); highest among the groups gnomAD compares: African/African-American, 1.7%; 17 homozygotes.

Submissions (6):

Labcorp Genetics (formerly Invitae), Labcorp
Classification: Benign. Last evaluated: 2026-02-01. Review status: criteria provided, single submitter. Criteria: Invitae Variant Classification Sherloc (09022015). Collection method: clinical testing. Allele origin: germline.

GeneDx
Classification: Benign. Last evaluated: 2020-02-13. Review status: criteria provided, single submitter. Criteria: GeneDx Variant Classification Process June 2021. Collection method: clinical testing. Allele origin: germline. Affected: yes.

Center for Pediatric Genomic Medicine, Children's Mercy Hospital and Clinics
Classification: Likely benign. Last evaluated: 2017-01-23. Review status: criteria provided, single submitter. Criteria: ACMG Guidelines, 2015. Collection method: clinical testing. Allele origin: germline.
ClinVar note: Converted during submission from Likely Benign to Likely benign.

Breakthrough Genomics
Classification: Likely benign. Review status: criteria provided, single submitter. Criteria: ACMG Guidelines, 2015. Collection method: not provided. Allele origin: germline. Inheritance: Autosomal recessive inheritance. Affected: yes.

Genome Diagnostics Laboratory, Amsterdam University Medical Center
Classification: Benign. Review status: no assertion criteria provided. Collection method: clinical testing. Allele origin: germline. Affected: yes. Study: VKGL Data-share Consensus. Not counted in ClinVar's aggregate classification.

Laboratory of Diagnostic Genome Analysis, Leiden University Medical Center (LUMC)
Classification: Likely benign. Review status: no assertion criteria provided. Collection method: clinical testing. Allele origin: germline. Affected: yes. Study: VKGL Data-share Consensus. Not counted in ClinVar's aggregate classification.

NM_014822.4(SEC24D):c.578C>T (p.Pro193Leu)

Gene: SEC24D (SEC24 homolog D, COPII component; minus strand). Cytogenetic location: 4q26.
Variant type: single nucleotide variant.
Coding change: c.578C>T on transcript NM_014822.4 (MANE Select); coding-DNA position 578, C replaced by T.
Protein change: p.Pro193Leu; replaces proline 193 with leucine.
Molecular consequence: missense variant.
Genome position (GRCh38, 1-based): chr4:118,815,546, G>A on the plus strand (C>T on the coding strand, the complement: SEC24D is on the minus strand). VCF-style: chr4-118815546-G-A. GRCh37 (hg19) VCF-style: chr4-119736701-G-A.
Other names: c.578C>T, p.Pro193Leu (NM_001318066.2); short protein forms P193L.
Identifiers: ClinVar variation 377240 (VCV000377240.14), dbSNP rs6844109, ClinGen allele CA3057510.